The following is an entry in ClinVar:

NM_138425.4(C12orf57):c.-73C>T

Gene: C12orf57 (chromosome 12 open reading frame 57; plus strand). Cytogenetic location: 12p13.31.
Variant type: single nucleotide variant.
Coding change: c.-73C>T on transcript NM_138425.4 (MANE Select); 73 bases upstream of the start codon, C replaced by T.
Molecular consequence: 5 prime UTR variant. On other transcripts: non-coding transcript variant (1), intron variant (2).
Genome position (GRCh38, 1-based): chr12:6,944,049, C>T. VCF-style: chr12-6944049-C-T. GRCh37 (hg19) VCF-style: chr12-7053212-C-T.
Other names: c.-73C>T (NM_001301837.2); c.-274C>T (NM_001301838.2); c.13+387C>T (NM_001301836.2); c.-15-58C>T (NM_001301834.1).
Identifiers: ClinVar variation 4533487 (VCV004533487.6).

ClinVar aggregate classification (germline): Likely benign (1 of 4 stars; one submission).

gnomAD v4.1: 1,643 of 1,611,998 alleles (0.1%); highest among the groups gnomAD compares: Non-Finnish European, 0.13%; 1 homozygote.

Submission:

CeGaT Center for Human Genetics Tuebingen
Classification: Likely benign. Last evaluated: 2025-10-01. Review status: criteria provided, single submitter. Criteria: CeGaT Center For Human Genetics Tuebingen Variant Classification Criteria Version 2. Collection method: clinical testing. Allele origin: germline. Affected: yes. Observed: 1 variant allele.
Comment: C12orf57: BS2